The following is an entry in ClinVar:

NM_001365951.3(KIF1B):c.5409-1G>A

Gene: KIF1B (kinesin family member 1B; plus strand). Cytogenetic location: 1p36.22.
Variant type: single nucleotide variant.
Coding change: c.5409-1G>A on transcript NM_001365951.3 (MANE Select); the canonical splice acceptor site of the intron before coding-DNA position 5409, G replaced by A.
Molecular consequence: splice acceptor variant.
Genome position (GRCh38, 1-based): chr1:10,376,544, G>A. VCF-style: chr1-10376544-G-A. GRCh37 (hg19) VCF-style: chr1-10436602-G-A.
Other names: c.5271-1G>A (NM_015074.3); c.5409-1G>A (NM_001365952.1).
Identifiers: ClinVar variation 1746518 (VCV001746518.2), dbSNP rs2521996899, ClinGen allele CA338332067.

ClinVar aggregate classification (germline): Uncertain significance (1 of 4 stars; one submission).

Submission:

Ambry Genetics
Classification: Uncertain significance. Last evaluated: 2021-10-22. Review status: criteria provided, single submitter. Criteria: Ambry Variant Classification Scheme 2023. Collection method: clinical testing. Allele origin: germline.
Comment: The c.5271-1G>A intronic variant results from a G to A substitution one nucleotide upstream from coding exon 46 of the KIF1B gene. This nucleotide position is highly conserved in available vertebrate species. In silico splice site analysis predicts that this alteration will weaken the native splice acceptor site and will result in the creation or strengthening of a novel splice acceptor site. Alterations that disrupt the canonical splice site are expected to cause aberrant splicing, resulting in an abnormal protein or a transcript that is subject to nonsense-mediated mRNA decay. However, the gene-disease association for KIF1B is limited. Since supporting evidence is limited at this time, the clinical significance of this alteration remains unclear.